The following is an entry in ClinVar:

ClinVar aggregate classification (germline): Benign. Review status: criteria provided, multiple submitters, no conflicts (2 of 4 stars). 3 submissions from 3 submitters: Benign (3). Last evaluated 2018-07-31.

Conditions:
Transcobalamin II deficiency (TCN2D). Also called: TC II DEFICIENCY; TCN2 DEFICIENCY; Transcolabamin II deficiency. Identifiers: Orphanet 859, MedGen C0342701, MONDO:0010149, OMIM 275350.

Allele frequency attached by ClinVar (database versions not stated): 1000 Genomes Project 30x 0.18161; gnomAD exomes 0.05138; gnomAD 0.12259 and 0.12516; TOPMed 0.14204; 1000 Genomes Project 0.17192.
gnomAD v4.1: 42,457 of 613,678 alleles (6.9%); highest among the groups gnomAD compares: African/African-American, 32%; 4,745 homozygotes.

Submissions (3):

GeneDx
Classification: Benign. Last evaluated: 2018-07-31. Review status: criteria provided, single submitter. Criteria: GeneDx Variant Classification Process June 2021. Collection method: clinical testing. Allele origin: germline. Affected: yes.

Illumina Laboratory Services, Illumina
Classification: Benign for Transcobalamin II deficiency. Last evaluated: 2018-01-13. Review status: criteria provided, single submitter. Criteria: ICSL Variant Classification Criteria 13 December 2019. Collection method: clinical testing. Allele origin: germline.
Comment: This variant was observed in the ICSL laboratory as part of a predisposition screen in an ostensibly healthy population. It had not been previously curated by ICSL or reported in the Human Gene Mutation Database (HGMD: prior to June 1st, 2018), and was therefore a candidate for classification through an automated scoring system. Utilizing variant allele frequency, disease prevalence and penetrance estimates, and inheritance mode, an automated score was calculated to assess if this variant is too frequent to cause the disease. Based on the score and internal cut-off values, a variant classified as benign is not then subjected to further curation. The score for this variant resulted in a classification of benign for this disease.

Breakthrough Genomics
Classification: Benign. Review status: criteria provided, single submitter. Criteria: ACMG Guidelines, 2015. Collection method: not provided. Allele origin: germline. Inheritance: Autosomal recessive inheritance. Affected: yes.

NM_000355.4(TCN2):c.*225A>T

Gene: TCN2 (transcobalamin 2; plus strand). Cytogenetic location: 22q12.2.
Variant type: single nucleotide variant.
Coding change: c.*225A>T on transcript NM_000355.4 (MANE Select); 225 bases downstream of the stop codon, A replaced by T.
Molecular consequence: 3 prime UTR variant.
Genome position (GRCh38, 1-based): chr22:30,626,746, A>T. VCF-style: chr22-30626746-A-T. GRCh37 (hg19) VCF-style: chr22-31022733-A-T.
Other names: c.*225A>T (NM_001184726.2).
Identifiers: ClinVar variation 341221 (VCV000341221.7), dbSNP rs2072195, ClinGen allele CA10653354.